The following is an entry in ClinVar:

NM_004589.4(SCO1):c.455A>T (p.Asp152Val)

Gene: SCO1 (synthesis of cytochrome C oxidase 1; minus strand). Cytogenetic location: 17p13.1.
Variant type: single nucleotide variant.
Coding change: c.455A>T on transcript NM_004589.4 (MANE Select); coding-DNA position 455, A replaced by T.
Protein change: p.Asp152Val; replaces aspartic acid 152 with valine.
Molecular consequence: missense variant.
Genome position (GRCh38, 1-based): chr17:10,692,871, T>A on the plus strand (A>T on the coding strand, the complement: SCO1 is on the minus strand). VCF-style: chr17-10692871-T-A. GRCh37 (hg19) VCF-style: chr17-10596188-T-A.
Other names: short protein forms D152V.
Identifiers: ClinVar variation 3370159 (VCV003370159.1).

ClinVar aggregate classification (germline): Uncertain significance (1 of 4 stars; one submission).

Submission:

GeneDx
Classification: Uncertain significance. Last evaluated: 2024-01-02. Review status: criteria provided, single submitter. Criteria: GeneDx Variant Classification Process June 2021. Collection method: clinical testing. Allele origin: germline. Affected: yes.
Comment: Not observed at significant frequency in large population cohorts (gnomAD); In silico analysis supports that this missense variant has a deleterious effect on protein structure/function; Has not been previously published as pathogenic or benign to our knowledge